The following is an entry in ClinVar:

NM_020223.4(FAM20C):c.1657G>A (p.Val553Met)

Gene: FAM20C (FAM20C golgi associated secretory pathway kinase; plus strand). Cytogenetic location: 7p22.3.
Variant type: single nucleotide variant.
Coding change: c.1657G>A on transcript NM_020223.4 (MANE Select); coding-DNA position 1657, G replaced by A.
Protein change: p.Val553Met; replaces valine 553 with methionine.
Molecular consequence: missense variant.
Genome position (GRCh38, 1-based): chr7:259,882, G>A. VCF-style: chr7-259882-G-A. GRCh37 (hg19) VCF-style: chr7-299848-G-A.
Other names: c.1657G>A (NM_020223.2); short protein forms V553M.
Identifiers: ClinVar variation 1055245 (VCV001055245.10), dbSNP rs754889644, ClinGen allele CA4109215.

ClinVar aggregate classification (germline): Uncertain significance. Review status: criteria provided, multiple submitters, no conflicts (2 of 4 stars). 3 submissions from 3 submitters: Uncertain significance (3). Last evaluated 2025-02-04.

Conditions:
Inborn genetic diseases. Identifiers: MedGen C0950123, MeSH D030342.
Lethal osteosclerotic bone dysplasia (RNS). Also called: Osteomalacia, sclerosing, with cerebral calcification. Identifiers: Orphanet 1832, MedGen C1850106, MONDO:0009821, OMIM 259775.

Allele frequency attached by ClinVar (database versions not stated): ExAC 0.00006; gnomAD 0.00009; gnomAD exomes 0.00009; TOPMed 0.00009; 1000 Genomes Project 30x 0.00031.
gnomAD v4.1: 139 of 1,536,134 alleles (0.009%); highest among the groups gnomAD compares: Middle Eastern, 0.033%; no homozygotes.

Submissions (3):

Dasa
Classification: Uncertain significance. Last evaluated: 2025-02-04. Review status: criteria provided, single submitter. Criteria: DASA Assertion Criteria. Collection method: clinical testing. Allele origin: germline.
Comment: NM_020223.4(FAM20C):c.1657G>A (p.Val553Met) is a missense variant that results in the substitution of valine with methionine. This variant has been observed in affected individuals with FAM20C-related disorders. Also, this variant is rare in population databases. Computational prediction algorithms are consistent with a deleterious effect. The currently available literature and clinical evidence are not sufficient to establish a definitive association between this variant and the reported condition. Therefore, this variant is classified as a variant of uncertain significance.

Ambry Genetics
Classification: Uncertain significance for Inborn genetic diseases. Last evaluated: 2025-01-18. Review status: criteria provided, single submitter. Criteria: Ambry Variant Classification Scheme 2023. Collection method: clinical testing. Allele origin: germline.

Juno Genomics, Hangzhou Juno Genomics, Inc
Classification: Uncertain significance for Lethal osteosclerotic bone dysplasia. Review status: criteria provided, single submitter. Criteria: ACMG Guidelines, 2015. Collection method: clinical testing. Allele origin: germline.
Comment: Absent from controls (or at extremely low frequency if recessive) in Genome Aggregation Database.;Multiple lines of computational evidence support a deleterious effect on the gene or gene product.